The following is an entry in ClinVar:

ClinVar aggregate classification (germline): Pathogenic/Likely pathogenic. Review status: criteria provided, multiple submitters, no conflicts (2 of 4 stars). 5 submissions from 5 submitters: Pathogenic (4); Likely pathogenic (1). Last evaluated 2026-10-19.

Conditions:
RP1-related recessive retinopathy. Identifiers: MedGen CN322605, MONDO:0800399.
Retinitis pigmentosa (RP). Identifiers: Orphanet 791, MedGen C0035334, MeSH D012174, MONDO:0019200, OMIM 268000. Inheritance: Autosomal dominant, autosomal recessive and X linked inheritance.

Submissions (5):

Department of Ophthalmology, Seoul National University Bundang Hospital
Classification: Pathogenic for RP1-related recessive retinopathy. Last evaluated: 2026-10-19. Review status: criteria provided, single submitter. Criteria: ACMG Guidelines, 2015. Collection method: clinical testing. Allele origin: germline. Inheritance: Autosomal recessive inheritance. Affected: yes.
Comment: Frameshift variant in exon 4, within the dominant cluster. Identified in a Korean multicenter RP1 cohort (PMID:42847597) only in the biallelic state, with recessive retinitis pigmentosa. ACMG/AMP criteria: PVS1, PS4, PM2. Previously reported by Wang et al., 2021 (PMID:33681214).

Labcorp Genetics (formerly Invitae), Labcorp
Classification: Pathogenic. Last evaluated: 2022-02-24. Review status: criteria provided, single submitter. Criteria: Invitae Variant Classification Sherloc (09022015). Collection method: clinical testing. Allele origin: germline.
Comment: For these reasons, this variant has been classified as Pathogenic. This variant disrupts the C-terminus of the RP1 protein. Many variants that disrupt this region have been reported in individuals with either autosomal dominant or autosomal recessive retinitis pigmentosa (PMID: 11527933, 19933189, 29425069, 30027431). Therefore, variants that disrupt this region are expected to be disease-causing. ClinVar contains an entry for this variant (Variation ID: 197272). This premature translational stop signal has been observed in individual(s) with retinitis pigmentosa (PMID: 33681214). This variant is not present in population databases (gnomAD no frequency). This sequence change creates a premature translational stop signal (p.Pro901Thrfs*2) in the RP1 gene. While this is not anticipated to result in nonsense mediated decay, it is expected to disrupt the last 1256 amino acid(s) of the RP1 protein.

Molecular Genetics Laboratory, Institute for Ophthalmic Research
Classification: Pathogenic for Retinitis pigmentosa. Last evaluated: 2020-01-09. Review status: criteria provided, single submitter. Criteria: ACMG Guidelines, 2015. Collection method: research. Allele origin: germline. Affected: yes.

CeGaT Center for Human Genetics Tuebingen
Classification: Likely pathogenic. Last evaluated: 2017-01-01. Review status: criteria provided, single submitter. Criteria: CeGaT Center For Human Genetics Tuebingen Variant Classification Criteria Version 2. Collection method: clinical testing. Allele origin: germline. Affected: yes. Observed: 1 variant allele.

Eurofins Ntd Llc (ga)
Classification: Pathogenic. Last evaluated: 2014-08-04. Review status: criteria provided, single submitter. Criteria: EGL Classification Definitions. Collection method: clinical testing. Allele origin: germline. Observed: 1 variant allele, 1 heterozygote.

Literature cited by the submitters: PubMed 42847597 (cited by Department of Ophthalmology, Seoul National University Bundang Hospital); PubMed 33681214 (cited by Department of Ophthalmology, Seoul National University Bundang Hospital and Labcorp Genetics (formerly Invitae), Labcorp); PubMed 11527933 (cited by Labcorp Genetics (formerly Invitae), Labcorp); PubMed 19933189 (cited by Labcorp Genetics (formerly Invitae), Labcorp); PubMed 29425069 (cited by Labcorp Genetics (formerly Invitae), Labcorp); PubMed 30027431 (cited by Labcorp Genetics (formerly Invitae), Labcorp).

NM_006269.2(RP1):c.2700dup (p.Pro901fs)

Gene: RP1 (RP1 axonemal microtubule associated; plus strand). Cytogenetic location: 8q12.1.
Variant type: Duplication.
Coding change: c.2700dup on transcript NM_006269.2 (MANE Select); coding-DNA position 2700, one base duplicated (A; older notation c.2700dupA).
Protein change: p.Pro901fs; shifts the reading frame from proline 901.
Molecular consequence: frameshift variant.
Genome position (GRCh38, 1-based): chr8:54,626,582, A duplicated; the last of 6 consecutive A bases (chr8:54,626,577-54,626,582); duplicating any one gives the same sequence. VCF-style (leftmost placement, unchanged base first): chr8-54626576-G-GA. GRCh37 (hg19) VCF-style: chr8-55539136-G-GA.
Other names: p.Pro901Thrfs*2; short protein forms P901fs.
Identifiers: ClinVar variation 197272 (VCV000197272.55), dbSNP rs797044735, ClinGen allele CA275259.